The following is an entry in ClinVar:

ClinVar aggregate classification (germline): Pathogenic (1 of 4 stars; one submission).

Conditions:
Hereditary cancer-predisposing syndrome. Also called: Tumor predisposition; Hereditary Cancer Syndrome; Neoplastic Syndromes, Hereditary; Hereditary neoplastic syndrome. Identifiers: Orphanet 140162, MedGen C0027672, MeSH D009386, MONDO:0015356.

Submission:

Ambry Genetics
Classification: Pathogenic for Hereditary cancer-predisposing syndrome. Last evaluated: 2019-09-19. Review status: criteria provided, single submitter. Criteria: Ambry Variant Classification Scheme 2023. Collection method: clinical testing. Allele origin: germline.
Comment: The c.2876_2877delAA pathogenic mutation, located in coding exon 18 of the RAD50 gene, results from a deletion of two nucleotides at nucleotide positions 2876 to 2877, causing a translational frameshift with a predicted alternate stop codon (p.K959Rfs*3). This alteration is expected to result in loss of function by premature protein truncation or nonsense-mediated mRNA decay. As such, this alteration is interpreted as a disease-causing mutation.

NM_005732.4(RAD50):c.2876_2877del (p.Lys959fs)

Gene: RAD50 (RAD50 double strand break repair protein; plus strand). Cytogenetic location: 5q31.1.
Variant type: Deletion.
Coding change: c.2876_2877del on transcript NM_005732.4 (MANE Select); coding-DNA positions 2876 to 2877, 2 bases deleted (AA; older notation c.2876_2877delAA).
Protein change: p.Lys959fs; shifts the reading frame from lysine 959.
Molecular consequence: frameshift variant.
Genome position (GRCh38, 1-based): chr5:132,609,163-132,609,164, AA deleted; deleting any 2 consecutive bases within chr5:132,609,162-132,609,164 gives the same sequence; the c. name uses the placement nearest the transcript's 3' end. VCF-style (leftmost placement, unchanged base first): chr5-132609161-GAA-G. GRCh37 (hg19) VCF-style: chr5-131944853-GAA-G.
Other names: short protein forms K959fs.
Identifiers: ClinVar variation 821940 (VCV000821940.4), dbSNP rs1581004664, ClinGen allele CA915942550.